The following is an entry in ClinVar:

ClinVar aggregate classification (germline): Benign. Review status: criteria provided, multiple submitters, no conflicts (2 of 4 stars). 2 submissions from 2 submitters: Benign (2). Last evaluated 2018-06-19.

Allele frequency attached by ClinVar (database versions not stated): TOPMed 0.07320; gnomAD 0.07407 and 0.07669; 1000 Genomes Project 0.05371; 1000 Genomes Project 30x 0.05590; gnomAD exomes 0.06645.
gnomAD v4.1: 102,387 of 1,525,258 alleles (6.7%); highest among the groups gnomAD compares: African/African-American, 10%; 3,702 homozygotes.

Submissions (2):

GeneDx
Classification: Benign. Last evaluated: 2018-06-19. Review status: criteria provided, single submitter. Criteria: GeneDx Variant Classification (06012015). Collection method: clinical testing. Allele origin: germline. Affected: yes.
Comment: This variant is considered likely benign or benign based on one or more of the following criteria: it is a conservative change, it occurs at a poorly conserved position in the protein, it is predicted to be benign by multiple in silico algorithms, and/or has population frequency not consistent with disease.

Breakthrough Genomics
Classification: Benign. Review status: criteria provided, single submitter. Criteria: ACMG Guidelines, 2015. Collection method: not provided. Allele origin: germline. Inheritance: Autosomal recessive inheritance. Affected: yes.

NM_203447.4(DOCK8):c.4626+86T>G

Gene: DOCK8 (dedicator of cytokinesis 8; plus strand). Cytogenetic location: 9p24.3.
Variant type: single nucleotide variant.
Coding change: c.4626+86T>G on transcript NM_203447.4 (MANE Select); 86 bases into the intron after coding-DNA position 4626, T replaced by G.
Molecular consequence: intron variant.
Genome position (GRCh38, 1-based): chr9:429,940, T>G. VCF-style: chr9-429940-T-G. GRCh37 (hg19) VCF-style: chr9-429940-T-G.
Other names: c.4422+86T>G (NM_001193536.2); c.4326+86T>G (NM_001190458.2).
Identifiers: ClinVar variation 675095 (VCV000675095.2), dbSNP rs16906738, ClinGen allele CA13041962.